The following is an entry in ClinVar:

ClinVar aggregate classification (germline): Uncertain significance (1 of 4 stars; one submission).

Submission:

Ambry Genetics
Classification: Uncertain significance. Last evaluated: 2025-02-25. Review status: criteria provided, single submitter. Criteria: Ambry Variant Classification Scheme 2023. Collection method: clinical testing. Allele origin: germline.
Comment: The p.K179E variant (also known as c.535A>G), located in coding exon 3 of the ATRIP gene, results from an A to G substitution at nucleotide position 535. The lysine at codon 179 is replaced by glutamic acid, an amino acid with similar properties. This amino acid position is conserved. In addition, the in silico prediction for this alteration is inconclusive. Based on the available evidence, the clinical significance of this variant remains unclear.

NM_130384.3(ATRIP):c.535A>G (p.Lys179Glu)

Genes: ATRIP (ATR interacting protein; plus strand), ATRIP-TREX1 (ATRIP-TREX1 readthrough; plus strand). Cytogenetic location: 3p21.31.
Variant type: single nucleotide variant.
Coding change: c.535A>G on transcript NM_130384.3 (MANE Select); coding-DNA position 535, A replaced by G.
Protein change: p.Lys179Glu; replaces lysine 179 with glutamic acid.
Molecular consequence: missense variant. On other transcripts: non-coding transcript variant (1).
Genome position (GRCh38, 1-based): chr3:48,451,882, A>G. VCF-style: chr3-48451882-A-G. GRCh37 (hg19) VCF-style: chr3-48493288-A-G.
Other names: c.154A>G, p.Lys52Glu (NM_001271022.2); c.256A>G, p.Lys86Glu (NM_001271023.2); c.535A>G, p.Lys179Glu (NM_032166.4); short protein forms K52E, K179E, K86E.
Identifiers: ClinVar variation 3810995 (VCV003810995.1).